The following is an entry in ClinVar:

ClinVar aggregate classification (germline): Uncertain significance (1 of 4 stars; one submission).

Conditions:
Hereditary cancer-predisposing syndrome. Also called: Neoplastic Syndromes, Hereditary; Tumor predisposition; Hereditary Cancer Syndrome; Hereditary neoplastic syndrome. Identifiers: Orphanet 140162, MedGen C0027672, MeSH D009386, MONDO:0015356.

Submission:

Ambry Genetics
Classification: Uncertain significance for Hereditary cancer-predisposing syndrome. Last evaluated: 2021-04-09. Review status: criteria provided, single submitter. Criteria: Ambry Variant Classification Scheme 2023. Collection method: clinical testing. Allele origin: germline.
Comment: The p.R122G variant (also known as c.364C>G), located in coding exon 2 of the FLCN gene, results from a C to G substitution at nucleotide position 364. The arginine at codon 122 is replaced by glycine, an amino acid with dissimilar properties. This amino acid position is highly conserved in available vertebrate species. In addition, this alteration is predicted to be deleterious by in silico analysis. Since supporting evidence is limited at this time, the clinical significance of this alteration remains unclear.

NM_144997.7(FLCN):c.364C>G (p.Arg122Gly)

Gene: FLCN (folliculin; minus strand). Cytogenetic location: 17p11.2.
Variant type: single nucleotide variant.
Coding change: c.364C>G on transcript NM_144997.7 (MANE Select); coding-DNA position 364, C replaced by G.
Protein change: p.Arg122Gly; replaces arginine 122 with glycine.
Molecular consequence: missense variant.
Genome position (GRCh38, 1-based): chr17:17,226,208, G>C on the plus strand (C>G on the coding strand, the complement: FLCN is on the minus strand). VCF-style: chr17-17226208-G-C. GRCh37 (hg19) VCF-style: chr17-17129522-G-C.
Other names: c.364C>G, p.Arg122Gly (NM_001353229.2, NM_001353230.2, NM_001353231.2 and 1 more transcripts); short protein forms R122G.
Identifiers: ClinVar variation 1733588 (VCV001733588.2), dbSNP rs2047243116, ClinGen allele CA398534743.